The following is an entry in ClinVar:

ClinVar aggregate classification (germline): Likely benign (1 of 4 stars; one submission).

Allele frequency attached by ClinVar (database versions not stated): 1000 Genomes Project 0.00220; 1000 Genomes Project 30x 0.00234; ExAC 0.00433; gnomAD 0.00458; ESP Exome Variant Server 0.00466; TOPMed 0.00470; gnomAD exomes 0.00677.

Submission:

CeGaT Center for Human Genetics Tuebingen
Classification: Likely benign. Last evaluated: 2023-02-01. Review status: criteria provided, single submitter. Criteria: CeGaT Center For Human Genetics Tuebingen Variant Classification Criteria Version 2. Collection method: clinical testing. Allele origin: germline. Affected: yes. Observed: 1 variant allele.
Comment: RFLNB: BP4, BP7, BS2

NM_182705.3(RFLNB):c.425A>G (p.Asn142Ser)

Gene: RFLNB (refilin B; minus strand). Cytogenetic location: 17p13.3.
Variant type: single nucleotide variant.
Coding change: c.425A>G on transcript NM_182705.3 (MANE Select); coding-DNA position 425, A replaced by G.
Protein change: p.Asn142Ser; replaces asparagine 142 with serine.
Molecular consequence: missense variant.
Genome position (GRCh38, 1-based): chr17:443,384, T>C on the plus strand (A>G on the coding strand, the complement: RFLNB is on the minus strand). VCF-style: chr17-443384-T-C. GRCh37 (hg19) VCF-style: chr17-293175-T-C.
Other names: short protein forms N142S.
Identifiers: ClinVar variation 2647163 (VCV002647163.24), dbSNP rs117842563, ClinGen allele CA8261030.